The following is an entry in ClinVar:

NM_152419.3(HGSNAT):c.932del (p.Leu311fs)

Gene: HGSNAT (heparan-alpha-glucosaminide N-acetyltransferase; plus strand). Cytogenetic location: 8p11.21.
Variant type: Deletion.
Coding change: c.932del on transcript NM_152419.3 (MANE Select); coding-DNA position 932, one base deleted (T; older notation c.932delT).
Protein change: p.Leu311fs; shifts the reading frame from leucine 311.
Molecular consequence: frameshift variant. On other transcripts: intron variant (1).
Genome position (GRCh38, 1-based): chr8:43,178,154, T deleted. VCF-style (leftmost placement, unchanged base first): chr8-43178153-CT-C. GRCh37 (hg19) VCF-style: chr8-43033296-CT-C.
Other names: c.932del, p.Leu311fs (NM_001363227.2); c.68del, p.Leu23fs (NM_001363229.2); c.821-3991del (NM_001363228.2); short protein forms L23fs, L311fs.
Identifiers: ClinVar variation 2082727 (VCV002082727.4), dbSNP rs2487002864, ClinGen allele CA2580078322.
Genomic context (GRCh38, chr8:43,178,153, plus strand): 5'-TCTTCCATTTTTCTATCGATGACTTCTATACTGCAACGGGGGTGTTCAAAATTCAGATTG[CT>C]GGGGAAGATTGCATGGAGGAGTTTCCTGTTAATCTGCATAGGAATTATCATTGTGAATCC-3'

ClinVar aggregate classification (germline): Pathogenic (1 of 4 stars; one submission).

Conditions:
Mucopolysaccharidosis, MPS-III-C (MPS3C). Also called: SANFILIPPO SYNDROME C; MPS III C; mucopolysaccharidosis type 3C; MUCOPOLYSACCHARIDOSIS, TYPE IIIC; MPS IIIC (Sanfilippo Syndrome Type C); Mucopolysaccharidosis type IIIC (Sanfilippo C). Identifiers: Orphanet 581, Orphanet 79271, MedGen C0086649, MONDO:0009657, OMIM 252930.
Retinitis pigmentosa 73 (RP73). Identifiers: Orphanet 791, MedGen C4225287, MONDO:0014687, OMIM 616544.

Submission:

Labcorp Genetics (formerly Invitae), Labcorp
Classification: Pathogenic for Retinitis pigmentosa 73; Mucopolysaccharidosis, MPS-III-C. Last evaluated: 2025-07-29. Review status: criteria provided, single submitter. Criteria: Invitae Variant Classification Sherloc (09022015). Collection method: clinical testing. Allele origin: germline.
Comment: This sequence change creates a premature translational stop signal (p.Leu311Argfs*11) in the HGSNAT gene. It is expected to result in an absent or disrupted protein product. Loss-of-function variants in HGSNAT are known to be pathogenic (PMID: 17033958, 19479962, 25859010). This variant is not present in population databases (gnomAD no frequency). This variant has not been reported in the literature in individuals affected with HGSNAT-related conditions. ClinVar contains an entry for this variant (Variation ID: 2082727). For these reasons, this variant has been classified as Pathogenic.

Literature cited by the submitters: PubMed 17033958; PubMed 19479962; PubMed 25859010.